The following is an entry in ClinVar:

NM_000350.3(ABCA4):c.2007G>C (p.Met669Ile)

Gene: ABCA4 (ATP binding cassette subfamily A member 4; minus strand). Cytogenetic location: 1p22.1.
Variant type: single nucleotide variant.
Coding change: c.2007G>C on transcript NM_000350.3 (MANE Select); coding-DNA position 2007, G replaced by C.
Protein change: p.Met669Ile; replaces methionine 669 with isoleucine.
Molecular consequence: missense variant.
Genome position (GRCh38, 1-based): chr1:94,060,690, C>G on the plus strand (G>C on the coding strand, the complement: ABCA4 is on the minus strand). VCF-style: chr1-94060690-C-G. GRCh37 (hg19) VCF-style: chr1-94526246-C-G.
Other names: c.2007G>C, p.Met669Ile (NM_001425324.1); short protein forms M669I.
Identifiers: ClinVar variation 1402951 (VCV001402951.6), dbSNP rs545963645, ClinGen allele CA26846532.

ClinVar aggregate classification (germline): Conflicting classifications of pathogenicity. Review status: criteria provided, conflicting classifications (1 of 4 stars). 3 submissions from 3 submitters: Pathogenic (1); Uncertain significance (2). Last evaluated 2025-05-05.

Conditions:
Age related macular degeneration 2. Also called: MACULOPATHY, AGE-RELATED; MACULAR DEGENERATION, SENILE; MACULOPATHY, AGE-RELATED, 2. Identifiers: MedGen C3495438, MONDO:0007932, OMIM 153800.

gnomAD v4.1: 14 of 1,614,130 alleles (0.00087%); highest among the groups gnomAD compares: Middle Eastern, 0.016%; no homozygotes.

Submissions (3):

Labcorp Genetics (formerly Invitae), Labcorp
Classification: Uncertain significance. Last evaluated: 2025-05-05. Review status: criteria provided, single submitter. Criteria: Invitae Variant Classification Sherloc (09022015). Collection method: clinical testing. Allele origin: germline.
Comment: This sequence change replaces methionine, which is neutral and non-polar, with isoleucine, which is neutral and non-polar, at codon 669 of the ABCA4 protein (p.Met669Ile). This variant is not present in population databases (gnomAD no frequency). This variant has not been reported in the literature in individuals affected with ABCA4-related conditions. ClinVar contains an entry for this variant (Variation ID: 1402951). Invitae Evidence Modeling of protein sequence and biophysical properties (such as structural, functional, and spatial information, amino acid conservation, physicochemical variation, residue mobility, and thermodynamic stability) indicates that this missense variant is expected to disrupt ABCA4 protein function with a positive predictive value of 80%. In summary, the available evidence is currently insufficient to determine the role of this variant in disease. Therefore, it has been classified as a Variant of Uncertain Significance.

Mendelics
Classification: Pathogenic for Age related macular degeneration 2. Last evaluated: 2022-05-04. Review status: criteria provided, single submitter. Criteria: Mendelics Assertion Criteria 2019. Collection method: clinical testing. Allele origin: germline.

Blueprint Genetics
Classification: Uncertain significance. Last evaluated: 2020-01-03. Review status: criteria provided, single submitter. Criteria: ACMG Guidelines, 2015. Collection method: clinical testing. Allele origin: germline.